The following is an entry in ClinVar:

NM_005732.4(RAD50):c.3866T>C (p.Ile1289Thr)

Genes: TH2LCRR (T helper type 2 locus control region associated RNA; minus strand), RAD50 (RAD50 double strand break repair protein; plus strand). Cytogenetic location: 5q31.1.
Variant type: single nucleotide variant.
Coding change: c.3866T>C on transcript NM_005732.4 (MANE Select); coding-DNA position 3866, T replaced by C.
Protein change: p.Ile1289Thr; replaces isoleucine 1289 with threonine.
Molecular consequence: missense variant.
Genome position (GRCh38, 1-based): chr5:132,642,291, T>C. VCF-style: chr5-132642291-T-C. GRCh37 (hg19) VCF-style: chr5-131977983-T-C.
Other names: c.3866T>C (NM_005732.3); short protein forms I1289T.
Identifiers: ClinVar variation 1375577 (VCV001375577.7), dbSNP rs1554101330, ClinGen allele CA360937027.
Genomic context (GRCh38, chr5:132,642,291, plus strand): 5'-ATGATGAAGATTTTGTGGAGCTTTTAGGACGTTCTGAATATGTGGAGAAATTCTACAGGA[T>C]TAAAAAGAACATCGATCAGTGCTCAGAGATTGTGAAATGCAGTGTTAGCTCCCTGGGATT-3'
Protein context (NP_005723.2, residues 1279-1299): RSEYVEKFYR[Ile1289Thr]KKNIDQCSEI

ClinVar aggregate classification (germline): Uncertain significance. Review status: criteria provided, multiple submitters, no conflicts (2 of 4 stars). 2 submissions from 2 submitters: Uncertain significance (2). Last evaluated 2023-11-16.

Conditions:
Hereditary cancer-predisposing syndrome. Also called: Neoplastic Syndromes, Hereditary; Hereditary Cancer Syndrome; Tumor predisposition; Hereditary neoplastic syndrome. Identifiers: Orphanet 140162, MedGen C0027672, MeSH D009386, MONDO:0015356.

Submissions (2):

Ambry Genetics
Classification: Uncertain significance for Hereditary cancer-predisposing syndrome. Last evaluated: 2023-11-16. Review status: criteria provided, single submitter. Criteria: Ambry Variant Classification Scheme 2023. Collection method: clinical testing. Allele origin: germline.
Comment: The p.I1289T variant (also known as c.3866T>C), located in coding exon 25 of the RAD50 gene, results from a T to C substitution at nucleotide position 3866. The isoleucine at codon 1289 is replaced by threonine, an amino acid with similar properties. This amino acid position is conserved. In addition, this alteration is predicted to be deleterious by in silico analysis. Since supporting evidence is limited at this time, the clinical significance of this alteration remains unclear.

Labcorp Genetics (formerly Invitae), Labcorp
Classification: Uncertain significance for Hereditary cancer-predisposing syndrome. Last evaluated: 2022-01-22. Review status: criteria provided, single submitter. Criteria: Invitae Variant Classification Sherloc (09022015). Collection method: clinical testing. Allele origin: germline.
Comment: In summary, the available evidence is currently insufficient to determine the role of this variant in disease. Therefore, it has been classified as a Variant of Uncertain Significance. Algorithms developed to predict the effect of missense changes on protein structure and function are either unavailable or do not agree on the potential impact of this missense change (SIFT: "Deleterious"; PolyPhen-2: "Benign"; Align-GVGD: "Class C0"). This variant has not been reported in the literature in individuals affected with RAD50-related conditions. This variant is not present in population databases (gnomAD no frequency). This sequence change replaces isoleucine, which is neutral and non-polar, with threonine, which is neutral and polar, at codon 1289 of the RAD50 protein (p.Ile1289Thr).